The following is an entry in ClinVar:

ClinVar aggregate classification (germline): Uncertain significance (1 of 4 stars; one submission).

Allele frequency attached by ClinVar (database versions not stated): gnomAD exomes 0.00002 and 0.00007; TOPMed 0.00004; ExAC 0.00011.

Submission:

Labcorp Genetics (formerly Invitae), Labcorp
Classification: Uncertain significance. Last evaluated: 2022-04-01. Review status: criteria provided, single submitter. Criteria: Invitae Variant Classification Sherloc (09022015). Collection method: clinical testing. Allele origin: germline.
Comment: This sequence change replaces serine, which is neutral and polar, with proline, which is neutral and non-polar, at codon 483 of the MUT protein (p.Ser483Pro). This variant is present in population databases (rs772705749, gnomAD 0.03%). This variant has not been reported in the literature in individuals affected with MUT-related conditions. Algorithms developed to predict the effect of missense changes on protein structure and function are either unavailable or do not agree on the potential impact of this missense change (SIFT: "Deleterious"; PolyPhen-2: "Benign"; Align-GVGD: "Class C0"). In summary, the available evidence is currently insufficient to determine the role of this variant in disease. Therefore, it has been classified as a Variant of Uncertain Significance.

NM_000255.4(MMUT):c.1447T>C (p.Ser483Pro)

Gene: MMUT (methylmalonyl-CoA mutase; minus strand). Cytogenetic location: 6p12.3.
Variant type: single nucleotide variant.
Coding change: c.1447T>C on transcript NM_000255.4 (MANE Select); coding-DNA position 1447, T replaced by C.
Protein change: p.Ser483Pro; replaces serine 483 with proline.
Molecular consequence: missense variant.
Genome position (GRCh38, 1-based): chr6:49,447,783, A>G on the plus strand (T>C on the coding strand, the complement: MMUT is on the minus strand). VCF-style: chr6-49447783-A-G. GRCh37 (hg19) VCF-style: chr6-49415496-A-G.
Other names: short protein forms S483P.
Identifiers: ClinVar variation 1416035 (VCV001416035.3), dbSNP rs772705749, ClinGen allele CA3846873.